The following is an entry in ClinVar:

ClinVar aggregate classification (germline): Likely benign (1 of 4 stars; one submission).

Conditions:
Familial cancer of breast. Also called: BREAST CANCER, FAMILIAL; Hereditary breast cancer; hereditary breast carcinoma. Identifiers: Orphanet 227535, MedGen C0346153, MONDO:0016419, OMIM 114480. Disease mechanism: loss of function.

Allele frequency attached by ClinVar (database versions not stated): gnomAD exomes below 0.00001.
gnomAD v4.1: 1 of 1,613,994 alleles (0.000062%); highest among the groups gnomAD compares: African/African-American, 0.0013%; no homozygotes.

Submission:

Myriad Genetics, Inc.
Classification: Likely benign for Familial cancer of breast. Last evaluated: 2024-05-13. Review status: criteria provided, single submitter. Criteria: Myriad Autosomal Dominant, Autosomal Recessive and X-Linked Classification Criteria (2023). Collection method: clinical testing. Allele origin: unknown.
Comment: This variant is considered likely benign. This variant is intronic and is not expected to impact mRNA splicing.

NM_000051.4(ATM):c.3154-8T>C

Gene: ATM (ATM serine/threonine kinase; plus strand). Cytogenetic location: 11q22.3.
Variant type: single nucleotide variant.
Coding change: c.3154-8T>C on transcript NM_000051.4 (MANE Select); 8 bases into the intron before coding-DNA position 3154, T replaced by C.
Molecular consequence: intron variant.
Genome position (GRCh38, 1-based): chr11:108,272,714, T>C. VCF-style: chr11-108272714-T-C. GRCh37 (hg19) VCF-style: chr11-108143441-T-C.
Other names: c.3154-8T>C (NM_001351834.2).
Identifiers: ClinVar variation 3254496 (VCV003254496.1), dbSNP rs2135569406.
Genomic context (GRCh38, chr11:108,272,714, plus strand): 5'-AGCAGTCTTTGTTTGTTAATGAGTAATTTTTCTCTATTTCATATTTAACCACAGTTCTTT[T>C]CCCGTAGGCTGATCCTTATTCAAAATGGGCCATTCTTAATGTAATGGGAAAAGACTTTCC-3'